The following is an entry in ClinVar:

ClinVar aggregate classification (germline): Uncertain significance (1 of 4 stars; one submission).

Conditions:
Pheochromocytoma/paraganglioma syndrome 5. Also called: Paragangliomas 5; SDHA-Related Hereditary Paraganglioma-Pheochromocytoma Syndrome. Identifiers: Orphanet 29072, MedGen C3279992, MONDO:0013602, OMIM 614165.
Mitochondrial complex II deficiency, nuclear type 1. Also called: SUCCINATE CoQ REDUCTASE DEFICIENCY. Identifiers: Orphanet 3208, MedGen C5700310, MONDO:0100294, OMIM 252011.

Submission:

Labcorp Genetics (formerly Invitae), Labcorp
Classification: Uncertain significance for Pheochromocytoma/paraganglioma syndrome 5; Mitochondrial complex II deficiency, nuclear type 1. Last evaluated: 2022-03-25. Review status: criteria provided, single submitter. Criteria: Invitae Variant Classification Sherloc (09022015). Collection method: clinical testing. Allele origin: germline.
Comment: In summary, the available evidence is currently insufficient to determine the role of this variant in disease. Therefore, it has been classified as a Variant of Uncertain Significance. Advanced modeling of protein sequence and biophysical properties (such as structural, functional, and spatial information, amino acid conservation, physicochemical variation, residue mobility, and thermodynamic stability) performed at Invitae indicates that this missense variant is not expected to disrupt SDHA protein function. This variant has not been reported in the literature in individuals affected with SDHA-related conditions. This variant is not present in population databases (gnomAD no frequency). This sequence change replaces alanine, which is neutral and non-polar, with valine, which is neutral and non-polar, at codon 110 of the SDHA protein (p.Ala110Val).

NM_004168.4(SDHA):c.329C>T (p.Ala110Val)

Gene: SDHA (succinate dehydrogenase complex flavoprotein subunit A; plus strand). Cytogenetic location: 5p15.33.
Variant type: single nucleotide variant.
Coding change: c.329C>T on transcript NM_004168.4 (MANE Select); coding-DNA position 329, C replaced by T.
Protein change: p.Ala110Val; replaces alanine 110 with valine.
Molecular consequence: missense variant. On other transcripts: intron variant (1).
Genome position (GRCh38, 1-based): chr5:225,435, C>T. VCF-style: chr5-225435-C-T. GRCh37 (hg19) VCF-style: chr5-225550-C-T.
Other names: c.329C>T, p.Ala110Val (NM_001330758.2); c.313-448C>T (NM_001294332.2); short protein forms A110V.
Identifiers: ClinVar variation 2114274 (VCV002114274.4), dbSNP rs2126546691, ClinGen allele CA359009214.
Genomic context (GRCh38, chr5:225,435, plus strand): 5'-GGCGCTCCTGTTTGTGGCTTGTAAGGAGTGGTTGGTGTTTCCAGGGAGGAATCAATGCTG[C>T]TCTGGGGAACATGGAGGAGGACAACTGGAGGTGGCATTTCTACGACACCGTGAAGGGCTC-3'
Protein context (NP_004159.2, residues 100-120): TVAAQGGINA[Ala110Val]LGNMEEDNWR